The following is an entry in ClinVar:

ClinVar aggregate classification (germline): Likely pathogenic (1 of 4 stars; one submission).

Submission:

Labcorp Genetics (formerly Invitae), Labcorp
Classification: Likely pathogenic. Last evaluated: 2024-12-15. Review status: criteria provided, single submitter. Criteria: Invitae Variant Classification Sherloc (09022015). Collection method: clinical testing. Allele origin: germline.
Comment: This sequence change affects an acceptor splice site in intron 4 of the CAPN1 gene. It is expected to disrupt RNA splicing. Variants that disrupt the donor or acceptor splice site typically lead to a loss of protein function (PMID: 16199547), and loss-of-function variants in CAPN1 are known to be pathogenic (PMID: 27153400, 27320912). This variant is not present in population databases (gnomAD no frequency). Disruption of this splice site has been observed in individual(s) with hereditary spastic paraplegia (internal data). Algorithms developed to predict the effect of sequence changes on RNA splicing suggest that this variant may disrupt the consensus splice site. In summary, the currently available evidence indicates that the variant is pathogenic, but additional data are needed to prove that conclusively. Therefore, this variant has been classified as Likely Pathogenic.

Literature cited by the submitters: PubMed 16199547; PubMed 27153400; PubMed 27320912.

NM_005186.4(CAPN1):c.457-2A>G

Gene: CAPN1 (calpain 1; plus strand). Cytogenetic location: 11q13.1.
Variant type: single nucleotide variant.
Coding change: c.457-2A>G on transcript NM_005186.4 (MANE Select); the canonical splice acceptor site of the intron before coding-DNA position 457, A replaced by G.
Molecular consequence: splice acceptor variant.
Genome position (GRCh38, 1-based): chr11:65,185,915, A>G. VCF-style: chr11-65185915-A-G. GRCh37 (hg19) VCF-style: chr11-64953386-A-G.
Other names: c.457-2A>G (NM_001198868.2, NM_001198869.2).
Identifiers: ClinVar variation 3683185 (VCV003683185.2).
Genomic context (GRCh38, chr11:65,185,915, plus strand): 5'-AAGGATGGAGCTCAGGTCCGGGGGATTCCAAAGCAGGTACTCACCGTGCCCCTCCCCCAC[A>G]GCTGTGGCAATTTGGGGAGTGGGTGGACGTGGTCGTGGATGACCTGCTGCCCATCAAGGA-3'